The following is an entry in ClinVar:

ClinVar aggregate classification (germline): Likely benign. Review status: criteria provided, multiple submitters, no conflicts (2 of 4 stars). 2 submissions from 2 submitters: Likely benign (2). Last evaluated 2026-01-12.

Conditions:
VPS13B-related disorder. Also called: VPS13B-related condition.
Cohen syndrome (COH1). Also called: Cutis verticis gyrata, retinitis pigmentosa, and sensorineural deafness; PEPPER SYNDROME. Identifiers: Orphanet 193, MedGen C0265223, MONDO:0008999, OMIM 216550.

Allele frequency attached by ClinVar (database versions not stated): ExAC 0.00001; gnomAD 0.00001; gnomAD exomes 0.00001 and 0.00002.
gnomAD v4.1: 16 of 1,613,708 alleles (0.00099%); highest among the groups gnomAD compares: Non-Finnish European, 0.0014%; no homozygotes.

Submissions (2):

Labcorp Genetics (formerly Invitae), Labcorp
Classification: Likely benign for Cohen syndrome. Last evaluated: 2026-01-12. Review status: criteria provided, single submitter. Criteria: Invitae Variant Classification Sherloc (09022015). Collection method: clinical testing. Allele origin: germline.

PreventionGenetics, part of Exact Sciences
Classification: Likely benign for VPS13B-related condition. Last evaluated: 2025-03-11. Review status: criteria provided, single submitter. Criteria: ACMG Guidelines, 2015. Collection method: clinical testing. Allele origin: germline.
Comment: This variant is classified as likely benign based on ACMG/AMP sequence variant interpretation guidelines (Richards et al. 2015 PMID: 25741868, with internal and published modifications).

NM_152564.5(VPS13B):c.8793-6G>T

Gene: VPS13B (vacuolar protein sorting 13 homolog B; plus strand). Cytogenetic location: 8q22.2.
Variant type: single nucleotide variant.
Coding change: c.8793-6G>T on transcript NM_152564.5 (MANE Select); 6 bases into the intron before coding-DNA position 8793, G replaced by T.
Molecular consequence: intron variant.
Genome position (GRCh38, 1-based): chr8:99,819,915, G>T. VCF-style: chr8-99819915-G-T. GRCh37 (hg19) VCF-style: chr8-100832143-G-T.
Other names: c.8793-6G>T (NM_152564.4); c.8868-6G>T (NM_017890.5).
Identifiers: ClinVar variation 737713 (VCV000737713.11), dbSNP rs773442324, ClinGen allele CA4824568.